The following is an entry in ClinVar:

NM_015259.6(ICOSLG):c.307G>A (p.Val103Ile)

Gene: ICOSLG (inducible T cell costimulator ligand; minus strand). Cytogenetic location: 21q22.3.
Variant type: single nucleotide variant.
Coding change: c.307G>A on transcript NM_015259.6 (MANE Select); coding-DNA position 307, G replaced by A.
Protein change: p.Val103Ile; replaces valine 103 with isoleucine.
Molecular consequence: missense variant. On other transcripts: intron variant (1).
Genome position (GRCh38, 1-based): chr21:44,236,966, C>T on the plus strand (G>A on the coding strand, the complement: ICOSLG is on the minus strand). VCF-style: chr21-44236966-C-T. GRCh37 (hg19) VCF-style: chr21-45656849-C-T.
Other names: c.307G>A (NM_015259.4); c.307G>A, p.Val103Ile (NM_001283050.2); c.52G>A, p.Val18Ile (NM_001283052.2); c.226G>A, p.Val76Ile (NM_001365759.2); c.56-1404G>A (NM_001283051.2); short protein forms V103I, V18I, V76I.
Identifiers: ClinVar variation 1445146 (VCV001445146.9), dbSNP rs199766847, ClinGen allele CA321498155.

ClinVar aggregate classification (germline): Conflicting classifications of pathogenicity. Review status: criteria provided, conflicting classifications (1 of 4 stars). 2 submissions from 2 submitters: Uncertain significance (1); Likely benign (1). Last evaluated 2025-12-30.

Allele frequency attached by ClinVar (database versions not stated): ExAC 0.00008; gnomAD exomes 0.00008; 1000 Genomes Project 0.00020; ESP Exome Variant Server 0.00023.

Submissions (2):

Labcorp Genetics (formerly Invitae), Labcorp
Classification: Uncertain significance. Last evaluated: 2025-12-30. Review status: criteria provided, single submitter. Criteria: Invitae Variant Classification Sherloc (09022015). Collection method: clinical testing. Allele origin: germline.
Comment: This sequence change replaces valine, which is neutral and non-polar, with isoleucine, which is neutral and non-polar, at codon 103 of the ICOSLG protein (p.Val103Ile). This variant is present in population databases (rs199766847, gnomAD 0.02%). This variant has not been reported in the literature in individuals affected with ICOSLG-related conditions. ClinVar contains an entry for this variant (Variation ID: 1445146). An algorithm developed to predict the effect of missense changes on protein structure and function outputs the following: PolyPhen-2: "Benign". The isoleucine amino acid residue is found in multiple mammalian species, which suggests that this missense change does not adversely affect protein function. In summary, the available evidence is currently insufficient to determine the role of this variant in disease. Therefore, it has been classified as a Variant of Uncertain Significance.

Ambry Genetics
Classification: Likely benign. Last evaluated: 2024-09-01. Review status: criteria provided, single submitter. Criteria: Ambry Variant Classification Scheme 2023. Collection method: clinical testing. Allele origin: germline.